The following is an entry in ClinVar:

ClinVar aggregate classification (germline): Uncertain significance. Review status: criteria provided, multiple submitters, no conflicts (2 of 4 stars). 6 submissions from 6 submitters: Uncertain significance (6). Last evaluated 2024-07-24.

Conditions:
Inborn genetic diseases. Identifiers: MedGen C0950123, MeSH D030342.
Glycogen storage disease, type VI (GSD6). Also called: HERS DISEASE; PHOSPHORYLASE DEFICIENCY GLYCOGEN-STORAGE DISEASE OF LIVER; Glycogen storage disease type 6; Hepatic glycogen phosphorylase deficiency; Glycogen storage disease type 6, due to phosphorylation; GSD VI. Identifiers: Orphanet 369, MedGen C0017925, MONDO:0009294, OMIM 232700.

Allele frequency attached by ClinVar (database versions not stated): gnomAD exomes 0.00002 and 0.00003; ExAC 0.00005; ESP Exome Variant Server 0.00023; gnomAD 0.00025 and 0.00027; TOPMed 0.00036.
gnomAD v4.1: 71 of 1,614,014 alleles (0.0044%); highest among the groups gnomAD compares: African/African-American, 0.084%; no homozygotes.

Submissions (6):

Mayo Clinic Laboratories, Mayo Clinic
Classification: Uncertain significance. Last evaluated: 2024-07-24. Review status: criteria provided, single submitter. Criteria: ACMG Guidelines, 2015. Collection method: clinical testing. Allele origin: germline. Observed: 1 variant allele.

GeneDx
Classification: Uncertain significance. Last evaluated: 2023-05-16. Review status: criteria provided, single submitter. Criteria: GeneDx Variant Classification Process June 2021. Collection method: clinical testing. Allele origin: germline. Affected: yes.
Comment: In silico analysis supports that this missense variant has a deleterious effect on protein structure/function; Has not been previously published as pathogenic or benign to our knowledge

Labcorp Genetics (formerly Invitae), Labcorp
Classification: Uncertain significance for Glycogen storage disease, type VI. Last evaluated: 2021-08-13. Review status: criteria provided, single submitter. Criteria: Invitae Variant Classification Sherloc (09022015). Collection method: clinical testing. Allele origin: germline.
Comment: This sequence change replaces aspartic acid with asparagine at codon 528 of the PYGL protein (p.Asp528Asn). The aspartic acid residue is highly conserved and there is a small physicochemical difference between aspartic acid and asparagine. This variant is present in population databases (rs138461745, ExAC 0.06%). This missense change has been observed in individual(s) with clinical features of PYGL-related conditions (Invitae). Algorithms developed to predict the effect of missense changes on protein structure and function are either unavailable or do not agree on the potential impact of this missense change (SIFT: "Deleterious"; PolyPhen-2: "Benign"; Align-GVGD: "Class C15"). In summary, the available evidence is currently insufficient to determine the role of this variant in disease. Therefore, it has been classified as a Variant of Uncertain Significance.

Ambry Genetics
Classification: Uncertain significance for Inborn genetic diseases. Last evaluated: 2021-07-14. Review status: criteria provided, single submitter. Criteria: Ambry Variant Classification Scheme 2023. Collection method: clinical testing. Allele origin: germline.

Baylor Genetics
Classification: Uncertain significance for Glycogen storage disease, type VI. Last evaluated: 2019-11-19. Review status: criteria provided, single submitter. Criteria: ACMG Guidelines, 2015. Collection method: clinical testing. Allele origin: unknown. Affected: yes.
Comment: This variant was determined to be of uncertain significance according to ACMG Guidelines, 2015 [PMID:25741868].

Fulgent Genetics
Classification: Uncertain significance for Glycogen storage disease, type VI. Last evaluated: 2018-10-31. Review status: criteria provided, single submitter. Criteria: ACMG Guidelines, 2015. Collection method: clinical testing. Allele origin: unknown.

NM_002863.5(PYGL):c.1582G>A (p.Asp528Asn)

Gene: PYGL (glycogen phosphorylase L; minus strand). Cytogenetic location: 14q22.1.
Variant type: single nucleotide variant.
Coding change: c.1582G>A on transcript NM_002863.5 (MANE Select); coding-DNA position 1582, G replaced by A.
Protein change: p.Asp528Asn; replaces aspartic acid 528 with asparagine.
Molecular consequence: missense variant.
Genome position (GRCh38, 1-based): chr14:50,913,067, C>T on the plus strand (G>A on the coding strand, the complement: PYGL is on the minus strand). VCF-style: chr14-50913067-C-T. GRCh37 (hg19) VCF-style: chr14-51379785-C-T.
Other names: p.Asp528Asn; c.1480G>A, p.Asp494Asn (NM_001163940.2); short protein forms D528N, D494N.
Identifiers: ClinVar variation 575514 (VCV000575514.9), dbSNP rs138461745, ClinGen allele CA7183429.